The following is an entry in ClinVar:

ClinVar aggregate classification (germline): Uncertain significance (1 of 4 stars; one submission).

gnomAD v4.1: 28 of 1,613,680 alleles (0.0017%); highest among the groups gnomAD compares: African/African-American, 0.036%; no homozygotes.

Submission:

GeneDx
Classification: Uncertain significance. Last evaluated: 2026-09-04. Review status: criteria provided, single submitter. Criteria: GeneDx Variant Classification Process June 2021. Collection method: clinical testing. Allele origin: germline.
Comment: In silico analysis suggests that this missense variant does not alter protein structure/function; Has not been previously published as pathogenic or benign to our knowledge

NM_133259.4(LRPPRC):c.1729C>A (p.Pro577Thr)

Gene: LRPPRC (leucine rich pentatricopeptide repeat containing; minus strand). Cytogenetic location: 2p21.
Variant type: single nucleotide variant.
Coding change: c.1729C>A on transcript NM_133259.4 (MANE Select); coding-DNA position 1729, C replaced by A.
Protein change: p.Pro577Thr; replaces proline 577 with threonine.
Molecular consequence: missense variant.
Genome position (GRCh38, 1-based): chr2:43,949,608, G>T on the plus strand (C>A on the coding strand, the complement: LRPPRC is on the minus strand). VCF-style: chr2-43949608-G-T. GRCh37 (hg19) VCF-style: chr2-44176747-G-T.
Other names: short protein forms P577T.
Identifiers: ClinVar variation 3370171 (VCV003370171.2).